The following is an entry in ClinVar:

ClinVar aggregate classification (germline): Uncertain significance (1 of 4 stars; one submission).

Conditions:
Cardiovascular phenotype. Identifiers: MedGen CN230736.

Allele frequency attached by ClinVar (database versions not stated): TOPMed below 0.00001; gnomAD 0.00001.
gnomAD v4.1: 2 of 1,605,382 alleles (0.00012%); highest among the groups gnomAD compares: East Asian, 0.0045%; no homozygotes.

Submission:

Ambry Genetics
Classification: Uncertain significance for Cardiovascular phenotype. Last evaluated: 2022-10-21. Review status: criteria provided, single submitter. Criteria: Ambry Variant Classification Scheme 2023. Collection method: clinical testing. Allele origin: germline.
Comment: The p.K74N variant (also known as c.222A>C), located in coding exon 3 of the ANKRD1 gene, results from an A to C substitution at nucleotide position 222. The lysine at codon 74 is replaced by asparagine, an amino acid with similar properties. This amino acid position is conserved. In addition, this alteration is predicted to be tolerated by in silico analysis. Since supporting evidence is limited at this time, the clinical significance of this alteration remains unclear.

NM_014391.3(ANKRD1):c.222A>C (p.Lys74Asn)

Gene: ANKRD1 (ankyrin repeat domain 1; minus strand). Cytogenetic location: 10q23.31.
Variant type: single nucleotide variant.
Coding change: c.222A>C on transcript NM_014391.3 (MANE Select); coding-DNA position 222, A replaced by C.
Protein change: p.Lys74Asn; replaces lysine 74 with asparagine.
Molecular consequence: missense variant.
Genome position (GRCh38, 1-based): chr10:90,919,254, T>G on the plus strand (A>C on the coding strand, the complement: ANKRD1 is on the minus strand). VCF-style: chr10-90919254-T-G. GRCh37 (hg19) VCF-style: chr10-92679011-T-G.
Other names: short protein forms K74N.
Identifiers: ClinVar variation 1788054 (VCV001788054.2), dbSNP rs1403366948, ClinGen allele CA377553031.